The following is an entry in ClinVar:

NM_000368.5(TSC1):c.2317A>G (p.Thr773Ala)

Gene: TSC1 (TSC complex subunit 1; minus strand). Cytogenetic location: 9q34.13.
Variant type: single nucleotide variant.
Coding change: c.2317A>G on transcript NM_000368.5 (MANE Select); coding-DNA position 2317, A replaced by G.
Protein change: p.Thr773Ala; replaces threonine 773 with alanine.
Molecular consequence: missense variant. On other transcripts: non-coding transcript variant (5).
Genome position (GRCh38, 1-based): chr9:132,902,679, T>C on the plus strand (A>G on the coding strand, the complement: TSC1 is on the minus strand). VCF-style: chr9-132902679-T-C. GRCh37 (hg19) VCF-style: chr9-135778066-T-C.
Other names: c.2314A>G, p.Thr772Ala (NM_001162426.2, NM_001406597.1, NM_001406598.1 and 4 more transcripts); c.2164A>G, p.Thr722Ala (NM_001162427.2, NM_001406610.1); c.1954A>G, p.Thr652Ala (NM_001362177.2, NM_001406624.1, NM_001406614.1 and 5 more transcripts); c.2317A>G, p.Thr773Ala (NM_001406592.1, NM_001406593.1, NM_001406594.1 and 5 more transcripts); c.2302A>G, p.Thr768Ala (NM_001406601.1, NM_001406602.1); c.2299A>G, p.Thr767Ala (NM_001406603.1, NM_001406604.1); c.1951A>G, p.Thr651Ala (NM_001406621.1, NM_001406622.1, NM_001406623.1 and 2 more transcripts); c.1366A>G, p.Thr456Ala (NM_001406626.1); and 3 more; short protein forms T456A, T652A, T722A, T767A, T455A, T651A, T768A, T721A.
Identifiers: ClinVar variation 3006832 (VCV003006832.3), dbSNP rs772652234, ClinGen allele CA375359563.

ClinVar aggregate classification (germline): Uncertain significance (1 of 4 stars; one submission).

Conditions:
Tuberous sclerosis 1 (TSC1). Identifiers: Orphanet 805, MedGen C1854465, MONDO:0008612, OMIM 191100.

Submission:

Labcorp Genetics (formerly Invitae), Labcorp
Classification: Uncertain significance for Tuberous sclerosis 1. Last evaluated: 2023-02-23. Review status: criteria provided, single submitter. Criteria: Invitae Variant Classification Sherloc (09022015). Collection method: clinical testing. Allele origin: germline.
Comment: This sequence change replaces threonine, which is neutral and polar, with alanine, which is neutral and non-polar, at codon 773 of the TSC1 protein (p.Thr773Ala). This variant is not present in population databases (gnomAD no frequency). In summary, the available evidence is currently insufficient to determine the role of this variant in disease. Therefore, it has been classified as a Variant of Uncertain Significance. Advanced modeling of protein sequence and biophysical properties (such as structural, functional, and spatial information, amino acid conservation, physicochemical variation, residue mobility, and thermodynamic stability) performed at Invitae indicates that this missense variant is not expected to disrupt TSC1 protein function. This variant has not been reported in the literature in individuals affected with TSC1-related conditions.